The following is an entry in ClinVar:

ClinVar aggregate classification (germline): Likely benign (1 of 4 stars; one submission).

Submission:

CeGaT Center for Human Genetics Tuebingen
Classification: Likely benign. Last evaluated: 2023-02-01. Review status: criteria provided, single submitter. Criteria: CeGaT Center For Human Genetics Tuebingen Variant Classification Criteria Version 2. Collection method: clinical testing. Allele origin: germline. Affected: yes. Observed: 1 variant allele.
Comment: MN1: BS2

NM_002430.3(MN1):c.1572GCA[5] (p.Gln547_Gln550del)

Gene: MN1 (MN1 proto-oncogene, transcriptional regulator; minus strand). Cytogenetic location: 22q12.1.
Variant type: Microsatellite.
Coding change: c.1572GCA[5] on transcript NM_002430.3 (MANE Select); five copies in a row of the 3-base unit GCA starting at c.1572; the reference has nine copies in a row; four copies, 12 bases deleted.
Protein change: p.Gln547_Gln550del.
Molecular consequence: inframe deletion.
Genome position (GRCh38, 1-based): chr22:27,798,946-27,798,957, TGCTGCTGCTGC deleted on the plus strand (GCAGCAGCAGCA on the coding strand, the reverse complement: MN1 is on the minus strand); deleting any 12 consecutive bases within chr22:27,798,946-27,798,974 gives the same sequence; the position shown is the placement nearest the transcript's 3' end. VCF-style (leftmost placement, unchanged base first): chr22-27798945-TTGCTGCTGCTGC-T. GRCh37 (hg19) VCF-style: chr22-28194933-TTGCTGCTGCTGC-T.
Identifiers: ClinVar variation 2653027 (VCV002653027.24), dbSNP rs34890218, ClinGen allele CA322884521.